The following is an entry in ClinVar:

NM_144670.6(A2ML1):c.1595C>T (p.Pro532Leu)

Gene: A2ML1 (alpha-2-macroglobulin like 1; plus strand). Cytogenetic location: 12p13.31.
Variant type: single nucleotide variant.
Coding change: c.1595C>T on transcript NM_144670.6 (MANE Select); coding-DNA position 1595, C replaced by T.
Protein change: p.Pro532Leu; replaces proline 532 with leucine.
Molecular consequence: missense variant.
Genome position (GRCh38, 1-based): chr12:8,846,134, C>T. VCF-style: chr12-8846134-C-T. GRCh37 (hg19) VCF-style: chr12-8998730-C-T.
Other names: c.122C>T, p.Pro41Leu (NM_001282424.3); short protein forms P532L, P41L.
Identifiers: ClinVar variation 1044185 (VCV001044185.14), dbSNP rs373823890, ClinGen allele CA6435754.

ClinVar aggregate classification (germline): Uncertain significance. Review status: criteria provided, multiple submitters, no conflicts (2 of 4 stars). 3 submissions from 3 submitters: Uncertain significance (3). Last evaluated 2025-12-22.

Allele frequency attached by ClinVar (database versions not stated): ExAC 0.00003; gnomAD 0.00006; ESP Exome Variant Server 0.00008; TOPMed 0.00017.
gnomAD v4.1: 95 of 1,614,092 alleles (0.0059%); highest among the groups gnomAD compares: Admixed American, 0.013%; no homozygotes.

Submissions (3):

Labcorp Genetics (formerly Invitae), Labcorp
Classification: Uncertain significance. Last evaluated: 2025-12-22. Review status: criteria provided, single submitter. Criteria: Invitae Variant Classification Sherloc (09022015). Collection method: clinical testing. Allele origin: germline.
Comment: This sequence change replaces proline, which is neutral and non-polar, with leucine, which is neutral and non-polar, at codon 532 of the A2ML1 protein (p.Pro532Leu). This variant is present in population databases (rs373823890, gnomAD 0.009%). This variant has not been reported in the literature in individuals affected with A2ML1-related conditions. ClinVar contains an entry for this variant (Variation ID: 1044185). An algorithm developed to predict the effect of missense changes on protein structure and function outputs the following: PolyPhen-2: "Benign". The leucine amino acid residue is found in multiple mammalian species, which suggests that this missense change does not adversely affect protein function. In summary, the available evidence is currently insufficient to determine the role of this variant in disease. Therefore, it has been classified as a Variant of Uncertain Significance.

Ambry Genetics
Classification: Uncertain significance. Last evaluated: 2025-10-12. Review status: criteria provided, single submitter. Criteria: Ambry Variant Classification Scheme 2023. Collection method: clinical testing. Allele origin: germline.
Comment: The p.P532L variant (also known as c.1595C>T), located in coding exon 14 of the A2ML1 gene, results from a C to T substitution at nucleotide position 1595. The proline at codon 532 is replaced by leucine, an amino acid with similar properties. This amino acid position is conserved. In addition, this alteration is predicted to be tolerated by in silico analysis. Since supporting evidence is limited at this time, the clinical significance of this alteration remains unclear.

Women's Health and Genetics/Laboratory Corporation of America, LabCorp
Classification: Uncertain significance. Last evaluated: 2022-01-24. Review status: criteria provided, single submitter. Criteria: LabCorp Variant Classification Summary - May 2015. Collection method: clinical testing. Allele origin: germline.
Comment: Variant summary: A2ML1 c.1595C>T (p.Pro532Leu) results in a non-conservative amino acid change located in the Alpha-2-macroglobulin, bait region domain (IPR011625) of the encoded protein sequence. Three of four in-silico tools predict a benign effect of the variant on protein function. The variant allele was found at a frequency of 4e-05 in 249582 control chromosomes (gnomAD). The observed variant frequency is approximately 10 fold of the estimated maximal expected allele frequency for a pathogenic variant in A2ML1 causing Noonan Syndrome phenotype (4e-06), however only 10 variant alleles were present. To our knowledge, no occurrence of c.1595C>T in individuals affected with Noonan Syndrome and no experimental evidence demonstrating its impact on protein function have been reported. One clinical diagnostic laboratory has submitted clinical-significance assessments for this variant to ClinVar after 2014 and classified the variant as uncertain significance. Based on the evidence outlined above, the variant was classified as uncertain significance.